The following is an entry in ClinVar:

NM_001242896.3(DEPDC5):c.483+3A>G

Gene: DEPDC5 (DEP domain containing 5, GATOR1 subcomplex subunit; plus strand). Cytogenetic location: 22q12.2.
Variant type: single nucleotide variant.
Coding change: c.483+3A>G on transcript NM_001242896.3 (MANE Select); 3 bases into the intron after coding-DNA position 483, A replaced by G.
Molecular consequence: intron variant.
Genome position (GRCh38, 1-based): chr22:31,778,171, A>G. VCF-style: chr22-31778171-A-G. GRCh37 (hg19) VCF-style: chr22-32174157-A-G.
Other names: c.483+3A>G (NM_001364318.2, NM_001136029.4, NM_014662.6 and 7 more transcripts); c.399+3A>G (NM_001369902.1, NM_001369901.1).
Identifiers: ClinVar variation 5038885 (VCV005038885.1).
Genomic context (GRCh38, chr22:31,778,171, plus strand): 5'-TGAACTGTGGGTTAAGAATGAGAAGGTCATGTGTGGCTACATCAGTGAAGATACCAGGGT[A>G]AGATTTATAAAATGCTTTTTTGGTTTTATCTCTCCATACTATTATGGCTAAGTCCTAAAA-3'

ClinVar aggregate classification (germline): Likely benign (1 of 4 stars; one submission).

gnomAD v4.1: 2 of 1,614,014 alleles (0.00012%); 1 homozygote.

Submission:

CeGaT Center for Human Genetics Tuebingen
Classification: Likely benign. Last evaluated: 2026-08-01. Review status: criteria provided, single submitter. Criteria: CeGaT Center For Human Genetics Tuebingen Variant Classification Criteria Version 2. Collection method: clinical testing. Allele origin: germline. Affected: yes. Observed: 1 variant allele.
Comment: DEPDC5: BP4